The following is an entry in ClinVar:

NM_001048174.2(MUTYH):c.1136_1137dup (p.Thr380Ter)

Gene: MUTYH (mutY DNA glycosylase; minus strand). Cytogenetic location: 1p34.1.
Variant type: Duplication.
Coding change: c.1136_1137dup on transcript NM_001048174.2 (MANE Select); coding-DNA positions 1136 to 1137, 2 bases duplicated (TG; older notation c.1136_1137dupTG).
Protein change: p.Thr380Ter; replaces threonine 380 with a stop codon.
Molecular consequence: nonsense. On other transcripts: non-coding transcript variant (7), frameshift variant (1).
Genome position (GRCh38, 1-based): chr1:45,331,522-45,331,523, CA duplicated on the plus strand (TG on the coding strand, the reverse complement: MUTYH is on the minus strand); duplicating any 2 consecutive bases within chr1:45,331,522-45,331,524 gives the same sequence; the c. name uses the placement nearest the transcript's 3' end. VCF-style (leftmost placement, unchanged base first): chr1-45331521-T-TCA. GRCh37 (hg19) VCF-style: chr1-45797193-T-TCA.
Other names: c.1139_1140dup, p.Thr381Ter (NM_001407071.1, NM_001407078.1, NM_001407086.1 and 1 more transcripts); c.1136_1137dup, p.Thr380Ter (NM_001407072.1, NM_001407073.1, NM_001407081.1 and 6 more transcripts); c.1052_1053dup, p.Thr352Ter (NM_001407075.1); c.1169_1170dup, p.Thr391Ter (NM_001407077.1, NM_001293191.2, NM_001407069.1); c.1097_1098dup, p.Thr367Ter (NM_001407079.1); c.1094_1095dup, p.Thr366Ter (NM_001407080.1); c.791_792dup, p.Thr265Ter (NM_001407082.1, NM_001350650.2, NM_001350651.2); c.1178_1179dup, p.Thr394Ter (NM_001407083.1, NM_001407085.1); and 6 more; short protein forms T288*, T380*, T391*, T352*, T366*, T381*, T265*, T387*.
Identifiers: ClinVar variation 3914947 (VCV003914947.1).
Genomic context (GRCh38, chr1:45,331,521, plus strand): 5'-CCCAACGCTGTAGTTCCTGCAGCAGGGCCTTGCGCTGAAGCTGCTCTGAGGGCTCCCAGG[T>TCA]CACGGACGGGAACTCCCACAGTCCTGCCAGCAGACCTGAGAGGGAGGGCAGCCAGGCAGG-3'

ClinVar aggregate classification (germline): Pathogenic (1 of 4 stars; one submission).

Conditions:
Hereditary cancer-predisposing syndrome. Also called: Hereditary Cancer Syndrome; Hereditary neoplastic syndrome; Neoplastic Syndromes, Hereditary; Tumor predisposition. Identifiers: Orphanet 140162, MedGen C0027672, MeSH D009386, MONDO:0015356.

Submission:

Ambry Genetics
Classification: Pathogenic for Hereditary cancer-predisposing syndrome. Last evaluated: 2025-05-08. Review status: criteria provided, single submitter. Criteria: Ambry Variant Classification Scheme 2023. Collection method: clinical testing. Allele origin: germline.
Comment: The c.1220_1221dupTG pathogenic mutation, located in coding exon 13 of the MUTYH gene, results from a duplication of TG at nucleotide position 1220, causing a translational frameshift with a predicted alternate stop codon (p.T408*). This variant is considered to be rare based on population cohorts in the Genome Aggregation Database (gnomAD). This alteration is expected to result in loss of function by premature protein truncation or nonsense-mediated mRNA decay. As such, this alteration is interpreted as a disease-causing mutation.